The following is an entry in ClinVar:

ClinVar aggregate classification (germline): Uncertain significance (1 of 4 stars; one submission).

Conditions:
Primary ciliary dyskinesia. Also called: Ciliary dyskinesia. Identifiers: Orphanet 244, MedGen C0008780, MONDO:0016575, HP:0012265.

Submission:

Labcorp Genetics (formerly Invitae), Labcorp
Classification: Uncertain significance for Primary ciliary dyskinesia. Last evaluated: 2022-11-08. Review status: criteria provided, single submitter. Criteria: Invitae Variant Classification Sherloc (09022015). Collection method: clinical testing. Allele origin: germline.
Comment: This variant, c.2680_2757dup, results in the insertion of 26 amino acid(s) of the RPGR (ORF15) protein (p.Glu894_Gly919dup), but otherwise preserves the integrity of the reading frame. This variant is not present in population databases (gnomAD no frequency). This variant has not been reported in the literature in individuals affected with RPGR (ORF15)-related conditions. Experimental studies and prediction algorithms are not available or were not evaluated, and the functional significance of this variant is currently unknown. In summary, the available evidence is currently insufficient to determine the role of this variant in disease. Therefore, it has been classified as a Variant of Uncertain Significance.

NM_001034853.2(RPGR):c.2680_2757dup (p.Gly919_Lys920insGluGlyGluGluGluGluGlyGluGlyGluGlyGluGluGluGlyGluGlyGluGlyGluGluGluGluGlyGluGly)

Gene: RPGR (retinitis pigmentosa GTPase regulator; minus strand). Cytogenetic location: Xp11.4.
Variant type: Duplication.
Coding change: c.2680_2757dup on transcript NM_001034853.2 (MANE Select); coding-DNA positions 2680 to 2757, 78 bases duplicated.
Protein change: p.Gly919_Lys920insGluGlyGluGluGluGluGlyGluGlyGluGlyGluGluGluGlyGluGlyGluGlyGluGluGluGluGlyGluGly.
Molecular consequence: inframe insertion. On other transcripts: intron variant (8).
Genome position (GRCh38, 1-based): chrX:38,286,242-38,286,319, 78 bases duplicated. GRCh37 (hg19): chrX:38,145,510-38,145,587.
Other names: c.1569+4640_1569+4717dup (NM_001367249.1, NM_001367250.1); c.1902+775_1902+852dup (NM_001367245.1); c.1386+4640_1386+4717dup (NM_001367251.1); c.1719+775_1719+852dup (NM_001367246.1); c.1572+4640_1572+4717dup (NM_001367247.1); c.1905+775_1905+852dup (NM_000328.3); c.1602+4640_1602+4717dup (NM_001367248.1).
Identifiers: ClinVar variation 2026701 (VCV002026701.4), dbSNP rs2519787327, ClinGen allele CA2580100884.